The following is an entry in ClinVar:

ClinVar aggregate classification (germline): Uncertain significance (1 of 4 stars; one submission).

Allele frequency attached by ClinVar (database versions not stated): TOPMed below 0.00001.

Submission:

Labcorp Genetics (formerly Invitae), Labcorp
Classification: Uncertain significance. Last evaluated: 2023-03-08. Review status: criteria provided, single submitter. Criteria: Invitae Variant Classification Sherloc (09022015). Collection method: clinical testing. Allele origin: germline.
Comment: This sequence change replaces valine, which is neutral and non-polar, with glycine, which is neutral and non-polar, at codon 122 of the GRHL2 protein (p.Val122Gly). This variant is not present in population databases (gnomAD no frequency). This variant has not been reported in the literature in individuals affected with GRHL2-related conditions. Advanced modeling of protein sequence and biophysical properties (such as structural, functional, and spatial information, amino acid conservation, physicochemical variation, residue mobility, and thermodynamic stability) performed at Invitae indicates that this missense variant is not expected to disrupt GRHL2 protein function. In summary, the available evidence is currently insufficient to determine the role of this variant in disease. Therefore, it has been classified as a Variant of Uncertain Significance.

NM_024915.4(GRHL2):c.365T>G (p.Val122Gly)

Gene: GRHL2 (grainyhead like transcription factor 2; plus strand). Cytogenetic location: 8q22.3.
Variant type: single nucleotide variant.
Coding change: c.365T>G on transcript NM_024915.4 (MANE Select); coding-DNA position 365, T replaced by G.
Protein change: p.Val122Gly; replaces valine 122 with glycine.
Molecular consequence: missense variant.
Genome position (GRCh38, 1-based): chr8:101,558,499, T>G. VCF-style: chr8-101558499-T-G. GRCh37 (hg19) VCF-style: chr8-102570727-T-G.
Other names: c.317T>G, p.Val106Gly (NM_001330593.2); short protein forms V106G, V122G.
Identifiers: ClinVar variation 2838944 (VCV002838944.3), dbSNP rs1672508639, ClinGen allele CA371643805.